The following is an entry in ClinVar:

NM_018368.4(LMBRD1):c.830G>A (p.Arg277Gln)

Gene: LMBRD1 (LMBR1 domain containing 1; minus strand). Cytogenetic location: 6q13.
Variant type: single nucleotide variant.
Coding change: c.830G>A on transcript NM_018368.4 (MANE Select); coding-DNA position 830, G replaced by A.
Protein change: p.Arg277Gln; replaces arginine 277 with glutamine.
Molecular consequence: missense variant.
Genome position (GRCh38, 1-based): chr6:69,713,730, C>T on the plus strand (G>A on the coding strand, the complement: LMBRD1 is on the minus strand). VCF-style: chr6-69713730-C-T. GRCh37 (hg19) VCF-style: chr6-70423622-C-T.
Other names: c.611G>A, p.Arg204Gln (NM_001363722.2, NM_001367271.1, NM_001367272.1); short protein forms R204Q, R277Q.
Identifiers: ClinVar variation 858895 (VCV000858895.9), dbSNP rs747354714, ClinGen allele CA140852356.

ClinVar aggregate classification (germline): Uncertain significance (1 of 4 stars; one submission).

Conditions:
Methylmalonic aciduria and homocystinuria type cblF. Also called: COBALAMIN F DISEASE; COBALAMIN, DEFECT IN LYSOSOMAL RELEASE OF; METHYLMALONIC ACIDEMIA AND HOMOCYSTINURIA, cblF TYPE; METHYLMALONIC ACIDURIA DUE TO VITAMIN B12-RELEASE DEFECT; VITAMIN B12 LYSOSOMAL RELEASE DEFECT; VITAMIN B12 STORAGE DISEASE. Identifiers: Orphanet 79284, MedGen C1848578, MONDO:0010183, OMIM 277380.

Allele frequency attached by ClinVar (database versions not stated): TOPMed below 0.00001; gnomAD exomes 0.00002.
gnomAD v4.1: 17 of 1,613,664 alleles (0.0011%); highest among the groups gnomAD compares: Middle Eastern, 0.066%; no homozygotes.

Submission:

Labcorp Genetics (formerly Invitae), Labcorp
Classification: Uncertain significance for Methylmalonic aciduria and homocystinuria type cblF. Last evaluated: 2024-10-15. Review status: criteria provided, single submitter. Criteria: Invitae Variant Classification Sherloc (09022015). Collection method: clinical testing. Allele origin: germline.
Comment: This sequence change replaces arginine, which is basic and polar, with glutamine, which is neutral and polar, at codon 277 of the LMBRD1 protein (p.Arg277Gln). This variant is present in population databases (rs747354714, gnomAD 0.006%). This variant has not been reported in the literature in individuals affected with LMBRD1-related conditions. ClinVar contains an entry for this variant (Variation ID: 858895). Invitae Evidence Modeling of protein sequence and biophysical properties (such as structural, functional, and spatial information, amino acid conservation, physicochemical variation, residue mobility, and thermodynamic stability) indicates that this missense variant is not expected to disrupt LMBRD1 protein function with a negative predictive value of 80%. In summary, the available evidence is currently insufficient to determine the role of this variant in disease. Therefore, it has been classified as a Variant of Uncertain Significance.